The following is an entry in ClinVar:

ClinVar aggregate classification (germline): Uncertain significance (1 of 4 stars; one submission).

Conditions:
Brown-Vialetto-van Laere syndrome 2. Also called: Riboflavin transporter deficiency type 2; SPINOCEREBELLAR ATAXIA WITH BLINDNESS AND DEAFNESS 2. Identifiers: Orphanet 572543, Orphanet 97229, MedGen C3553538, MONDO:0013867, OMIM 614707.

Allele frequency attached by ClinVar (database versions not stated): ExAC 0.00001; TOPMed 0.00001; gnomAD exomes 0.00002.
gnomAD v4.1: 4 of 1,599,194 alleles (0.00025%); highest among the groups gnomAD compares: Admixed American, 0.0067%; no homozygotes.

Submission:

Labcorp Genetics (formerly Invitae), Labcorp
Classification: Uncertain significance for Brown-Vialetto-van Laere syndrome 2. Last evaluated: 2023-04-14. Review status: criteria provided, single submitter. Criteria: Invitae Variant Classification Sherloc (09022015). Collection method: clinical testing. Allele origin: germline.
Comment: This variant has not been reported in the literature in individuals affected with SLC52A2-related conditions. ClinVar contains an entry for this variant (Variation ID: 1498797). Variants that disrupt the consensus splice site are a relatively common cause of aberrant splicing (PMID: 17576681, 9536098). Algorithms developed to predict the effect of sequence changes on RNA splicing suggest that this variant may disrupt the consensus splice site. In summary, the available evidence is currently insufficient to determine the role of this variant in disease. Therefore, it has been classified as a Variant of Uncertain Significance. This variant is present in population databases (rs782760057, gnomAD 0.01%). This sequence change falls in intron 4 of the SLC52A2 gene. It does not directly change the encoded amino acid sequence of the SLC52A2 protein. It affects a nucleotide within the consensus splice site.

Literature cited by the submitters: PubMed 17576681; PubMed 9536098.

NM_001363118.2(SLC52A2):c.1125+6C>T

Gene: SLC52A2 (solute carrier family 52 member 2; plus strand). Cytogenetic location: 8q24.3.
Variant type: single nucleotide variant.
Coding change: c.1125+6C>T on transcript NM_001363118.2 (MANE Select); 6 bases into the intron after coding-DNA position 1125, C replaced by T.
Molecular consequence: intron variant.
Genome position (GRCh38, 1-based): chr8:144,360,719, C>T. VCF-style: chr8-144360719-C-T. GRCh37 (hg19) VCF-style: chr8-145584379-C-T.
Other names: c.1125+6C>T (NM_001253816.2, NM_001363121.2, NM_001363120.2 and 2 more transcripts); c.633+6C>T (NM_001363122.2).
Identifiers: ClinVar variation 1498797 (VCV001498797.7), dbSNP rs782760057, ClinGen allele CA4938384.